The following is an entry in ClinVar:

ClinVar aggregate classification (germline): Conflicting classifications of pathogenicity. Review status: criteria provided, conflicting classifications (1 of 4 stars). 2 submissions from 2 submitters: Likely pathogenic (1); Uncertain significance (1). Last evaluated 2026-02-09.

Conditions:
Polycystic kidney disease, adult type (PKD1). Also called: POLYCYSTIC KIDNEY DISEASE 1 WITH OR WITHOUT POLYCYSTIC LIVER DISEASE; Polycystic Kidney, Autosomal Dominant; POLYCYSTIC KIDNEY DISEASE, ADULT, TYPE I; Polycystic Kidney Disease 1, Autosomal Dominant; Polycystic kidney disease 1; Polycystic kidney disease 1, severe. Identifiers: MedGen C3149841, MONDO:0008263, OMIM 173900.

Submissions (2):

GeneDx
Classification: Likely pathogenic. Last evaluated: 2026-02-09. Review status: criteria provided, single submitter. Criteria: GeneDx Variant Classification Process June 2021. Collection method: clinical testing. Allele origin: germline.
Comment: Not observed at significant frequency in large population cohorts (gnomAD); In silico analysis supports a deleterious effect on protein structure/function; Also known as p.Arg3748_Val3752del; In-frame deletion of 5 amino acid(s) in a non-repeat region; This variant is associated with the following publications: (PMID: 37509056, 23300259)

Juno Genomics, Hangzhou Juno Genomics, Inc
Classification: Uncertain significance for Polycystic kidney disease, adult type. Review status: criteria provided, single submitter. Criteria: ACMG Guidelines, 2015. Collection method: clinical testing. Allele origin: germline. Affected: yes.
Comment: Absent from controls (or at extremely low frequency if recessive) in Genome Aggregation Database.;Protein length changes due to in-frame deletions/insertions in a non-repeat region or stop-loss variants.;The prevalence of the variant in affected individuals is significantly increased compared to the prevalence in controls.;Patient's phenotype or family history is highly specific for a disease with a single genetic etiology.

NM_001009944.3(PKD1):c.11241_11255del (p.Arg3750_Leu3754del)

Genes: PKD1 (polycystin 1, transient receptor potential channel interacting; minus strand), PKD1-AS1 (PKD1 antisense RNA 1; plus strand). Cytogenetic location: 16p13.3.
Variant type: Deletion.
Coding change: c.11241_11255del on transcript NM_001009944.3 (MANE Select); coding-DNA positions 11241 to 11255, 15 bases deleted (ACGGCTGCGGCAGGT).
Protein change: p.Arg3750_Leu3754del.
Molecular consequence: inframe deletion. On other transcripts: inframe indel (1).
Genome position (GRCh38, 1-based): chr16:2,092,494-2,092,508, ACCTGCCGCAGCCGT deleted on the plus strand (ACGGCTGCGGCAGGT on the coding strand, the reverse complement: PKD1 is on the minus strand). VCF-style (leftmost placement, unchanged base first): chr16-2092493-CACCTGCCGCAGCCGT-C. GRCh37 (hg19) VCF-style: chr16-2142494-CACCTGCCGCAGCCGT-C.
Other names: c.11238_11252del, p.Arg3749_Leu3753del (NM_000296.4); c.11241_11255delACGGCTGCGGCAGGT, p.Arg3750_Leu3754del (NM_001009944.2).
Identifiers: ClinVar variation 4887947 (VCV004887947.2).